The following is an entry in ClinVar:

ClinVar aggregate classification (germline): Likely pathogenic (1 of 4 stars; one submission).

gnomAD v4.1: 1 of 1,613,570 alleles (0.000062%); highest among the groups gnomAD compares: Non-Finnish European, 0.000085%; no homozygotes.

Submission:

Labcorp Genetics (formerly Invitae), Labcorp
Classification: Likely pathogenic. Last evaluated: 2021-09-17. Review status: criteria provided, single submitter. Criteria: Invitae Variant Classification Sherloc (09022015). Collection method: clinical testing. Allele origin: germline.
Comment: This sequence change replaces cysteine with arginine at codon 2469 of the ABCA12 protein (p.Cys2469Arg). The cysteine residue is highly conserved and there is a large physicochemical difference between cysteine and arginine. This variant is not present in population databases (ExAC no frequency). This variant has been observed in individual(s) with harlequin ichthyosis (Invitae). In at least one individual the data is consistent with the variant being in trans (on the opposite chromosome) from a pathogenic variant. Advanced modeling of protein sequence and biophysical properties (such as structural, functional, and spatial information, amino acid conservation, physicochemical variation, residue mobility, and thermodynamic stability) performed at Invitae indicates that this missense variant is expected to disrupt ABCA12 protein function. In summary, the currently available evidence indicates that the variant is pathogenic, but additional data are needed to prove that conclusively. Therefore, this variant has been classified as Likely Pathogenic.

NM_173076.3(ABCA12):c.7405T>C (p.Cys2469Arg)

Genes: ABCA12 (ATP binding cassette subfamily A member 12; minus strand), SNHG31 (small nucleolar RNA host gene 31; plus strand). Cytogenetic location: 2q35.
Variant type: single nucleotide variant.
Coding change: c.7405T>C on transcript NM_173076.3 (MANE Select); coding-DNA position 7405, T replaced by C.
Protein change: p.Cys2469Arg; replaces cysteine 2469 with arginine.
Molecular consequence: missense variant. On other transcripts: non-coding transcript variant (1).
Genome position (GRCh38, 1-based): chr2:214,942,956, A>G on the plus strand (T>C on the coding strand, the complement: ABCA12 is on the minus strand). VCF-style: chr2-214942956-A-G. GRCh37 (hg19) VCF-style: chr2-215807680-A-G.
Other names: c.6451T>C, p.Cys2151Arg (NM_015657.4); short protein forms C2469R, C2151R.
Identifiers: ClinVar variation 1512612 (VCV001512612.6), dbSNP rs2105917488, ClinGen allele CA350793393.
Genomic context (GRCh38, chr2:214,942,956, plus strand): 5'-ATCTGTTAAGCAATGCATTTGTTCTTCACCTGCTCTTTATGTGCTGCAAAGATCCAATAC[A>G]TTGAAACTTTCCATTCACCATAATGGCCAACCTGGTACAGAGAGCTTCACATTCTTCCAT-3'
Protein context (NP_775099.2, residues 2459-2479): LAIMVNGKFQ[Cys2469Arg]IGSLQHIKSR